The following is an entry in ClinVar:

NM_018206.6(VPS35):c.915-3del

Gene: VPS35 (VPS35 retromer complex component; minus strand). Cytogenetic location: 16q11.2.
Variant type: Deletion.
Coding change: c.915-3del on transcript NM_018206.6 (MANE Select); 3 bases into the intron before coding-DNA position 915, one base deleted (T; older notation c.915-3delT).
Molecular consequence: intron variant.
Genome position (GRCh38, 1-based): chr16:46,674,663, A deleted on the plus strand (T on the coding strand, the reverse complement: VPS35 is on the minus strand); the first of 14 consecutive A bases (chr16:46,674,663-46,674,676); deleting any one gives the same sequence. VCF-style (leftmost placement, unchanged base first): chr16-46674662-TA-T. GRCh37 (hg19) VCF-style: chr16-46708574-TA-T.
Other names: NC_000016.9:g.46708588del; p.?; c.915-3delT (NM_018206.6); c.915-16del (NM_018206.6).
Identifiers: ClinVar variation 703789 (VCV000703789.10), dbSNP rs569369937, ClinGen allele CA8036931.
Genomic context (GRCh38, chr16:46,674,662, plus strand): 5'-AAAGTTTAATATCCGCTGGGATTCCAGGTCCATCTTCACGGTGAGCAAATAAAGCTAATC[TA>T]AAAAAAAAAAAAACACCCCTTTATTTTAAAAGATACAGGGTTTGGGTAGTGAGATCATGG-3'

ClinVar aggregate classification (germline): Benign. Review status: criteria provided, multiple submitters, no conflicts (2 of 4 stars). 3 submissions from 3 submitters: Benign (3). Last evaluated 2023-10-11.

Conditions:
Parkinson disease 17 (PARK17). Also called: VPS35-Related Parkinson Disease. Identifiers: Orphanet 411602, MedGen C3280133, MONDO:0013625, OMIM 614203.
Parkinson disease (PD). Identifiers: MedGen C0030567, MeSH D010300, MONDO:0005180.

Submissions (10):

Labcorp Genetics (formerly Invitae), Labcorp
Classification: Benign for Parkinson disease 17. Last evaluated: 2023-10-11. Review status: criteria provided, single submitter. Criteria: Invitae Variant Classification Sherloc (09022015). Collection method: clinical testing. Allele origin: germline.

Molecular Genetics, Royal Melbourne Hospital
Classification: Benign for Parkinson disease. Last evaluated: 2023-05-04. Review status: criteria provided, single submitter. Criteria: ACMG Guidelines, 2015. Collection method: clinical testing. Allele origin: germline. Affected: no.
Comment: Latino/Admixed population allele frequency is 39.24% (rs746705076, 5847/14956 alleles, 0 homozygotes in gnomAD v2.1). Based on the classification scheme RMH Modified ACMG/AMP Guidelines v1.0, this variant is classified as BENIGN. Following criteria are met: BA1

Mayo Clinic Laboratories, Mayo Clinic
Classification: Benign. Last evaluated: 2023-01-06. Review status: criteria provided, single submitter. Criteria: ACMG Guidelines, 2015. Collection method: clinical testing. Allele origin: germline. Observed: 385 variant alleles.
Comment: BA1, BP4, BP7

Dr. Peter K. Rogan Lab, Western University
No classification provided (evidence only). Condition: Adrenocortical carcinoma, hereditary. Review status: no classification provided. Collection method: in vitro. Allele origin: not applicable. Functional consequence: retained intron. Not counted in ClinVar's aggregate classification.

Dr. Peter K. Rogan Lab, Western University
No classification provided (evidence only). Condition: Familial cancer of breast. Review status: no classification provided. Collection method: in vitro. Allele origin: not applicable. Functional consequence: retained intron. Not counted in ClinVar's aggregate classification.

Dr. Peter K. Rogan Lab, Western University
No classification provided (evidence only). Condition: Familial cancer of breast. Review status: no classification provided. Collection method: in vitro. Allele origin: not applicable. Functional consequence: retained intron. Not counted in ClinVar's aggregate classification.

Dr. Peter K. Rogan Lab, Western University
No classification provided (evidence only). Condition: Cervical cancer. Review status: no classification provided. Collection method: in vitro. Allele origin: not applicable. Functional consequence: retained intron. Not counted in ClinVar's aggregate classification.

Dr. Peter K. Rogan Lab, Western University
No classification provided (evidence only). Condition: Familial prostate cancer. Review status: no classification provided. Collection method: in vitro. Allele origin: not applicable. Functional consequence: retained intron. Not counted in ClinVar's aggregate classification.

Dr. Peter K. Rogan Lab, Western University
No classification provided (evidence only). Condition: Uveal melanoma. Review status: no classification provided. Collection method: in vitro. Allele origin: not applicable. Functional consequence: retained intron. Not counted in ClinVar's aggregate classification.

Dr. Peter K. Rogan Lab, Western University
No classification provided (evidence only). Condition: Uveal melanoma. Review status: no classification provided. Collection method: in vitro. Allele origin: not applicable. Functional consequence: retained intron. Not counted in ClinVar's aggregate classification.